The following is an entry in ClinVar:

NM_005506.4(SCARB2):c.11G>A (p.Cys4Tyr)

Gene: SCARB2 (scavenger receptor class B member 2; minus strand). Cytogenetic location: 4q21.1.
Variant type: single nucleotide variant.
Coding change: c.11G>A on transcript NM_005506.4 (MANE Select); coding-DNA position 11, G replaced by A.
Protein change: p.Cys4Tyr; replaces cysteine 4 with tyrosine.
Molecular consequence: missense variant.
Genome position (GRCh38, 1-based): chr4:76,213,533, C>T on the plus strand (G>A on the coding strand, the complement: SCARB2 is on the minus strand). VCF-style: chr4-76213533-C-T. GRCh37 (hg19) VCF-style: chr4-77134686-C-T.
Other names: c.11G>A, p.Cys4Tyr (NM_001204255.2); short protein forms C4Y.
Identifiers: ClinVar variation 574694 (VCV000574694.8), dbSNP rs1196467385, ClinGen allele CA357328009.
Genomic context (GRCh38, chr4:76,213,533, plus strand): 5'-AGCAGCGTGACGCTGGTCACCAGCAGGAGCAGGGACAACGTCCCCGCCGTGTAGAAGCAG[C>T]ATCGGCCCATTCTGTGCGCCGCTCACGGGCCGGGCCGGGCCGCACCCGCCAGGGATCCAA-3'
Protein context (NP_005497.1, residues 1-14): MGR[Cys4Tyr]CFYTAGTLSL

ClinVar aggregate classification (germline): Uncertain significance (1 of 4 stars; one submission).

Conditions:
Progressive myoclonic epilepsy. Also called: Familial progressive myoclonic epilepsy; Progressive myoclonus epilepsy; Myoclonus epilepsy; Myoclonic Epilepsies, Progressive. Identifiers: Orphanet 308, Orphanet 98261, MedGen C0751778, MONDO:0020074.

Allele frequency attached by ClinVar (database versions not stated): gnomAD exomes below 0.00001.
gnomAD v4.1: 1 of 1,609,306 alleles (0.000062%); highest among the groups gnomAD compares: South Asian, 0.0011%; no homozygotes.

Submission:

Labcorp Genetics (formerly Invitae), Labcorp
Classification: Uncertain significance for Progressive myoclonic epilepsy. Last evaluated: 2018-03-14. Review status: criteria provided, single submitter. Criteria: Invitae Variant Classification Sherloc (09022015). Collection method: clinical testing. Allele origin: germline.
Comment: In summary, the available evidence is currently insufficient to determine the role of this variant in disease. Therefore, it has been classified as a Variant of Uncertain Significance. Algorithms developed to predict the effect of missense changes on protein structure and function do not agree on the potential impact of this missense change (SIFT: "Tolerated"; PolyPhen-2: "Possibly Damaging"; Align-GVGD: "Class C0"). This variant has not been reported in the literature in individuals with SCARB2-related disease. This variant is not present in population databases (ExAC no frequency). This sequence change replaces cysteine with tyrosine at codon 4 of the SCARB2 protein (p.Cys4Tyr). The cysteine residue is moderately conserved and there is a large physicochemical difference between cysteine and tyrosine.